The following continues an entry in ClinVar:

NM_000051.4(ATM):c.6194T>C (p.Ile2065Thr)

ClinVar aggregate classification (germline): Conflicting classifications of pathogenicity. Uncertain significance (15); Likely benign (1).

Submissions 11 to 17 of 17:

KCCC/NGS Laboratory, Kuwait Cancer Control Center
Classification: Uncertain significance for Familial cancer of breast. Last evaluated: 2023-09-17. Review status: criteria provided, single submitter. Criteria: ACMG Guidelines, 2015. Collection method: clinical testing. Allele origin: germline. Inheritance: Autosomal dominant inheritance. Affected: yes. Observed: 1 heterozygote.
Comment: This sequence change replaces isoleucine, which is neutral and non-polar, with threonine, which is neutral and polar, at codon 2065 of the ATM protein (p.Ile2065Thr). This variant is present in population databases (rs372838622, gnomAD 0.03%). This amino acid position is not well conserved ( PhyloP=7.41). ClinVar contains an entry for this variant (Variation ID: 230510).In silico analysis supports that this missense variant does not alter protein structure/function; Observed in individuals with breast cancer (Yehia et al., 2018; Eygelaar et al., 2022); This variant is associated with the following publications: (PMID: 23532176, 35039564, 29684080). In summary, the available evidence is currently insufficient to determine the role of this variant in disease. Therefore, it has been classified as a Variant of Uncertain Significance.

National Health Laboratory Service, Universitas Academic Hospital and University of the Free State
Classification: Uncertain significance for Hereditary breast ovarian cancer syndrome. Last evaluated: 2022-04-19. Review status: criteria provided, single submitter. Criteria: ACMG Guidelines, 2015. Collection method: clinical testing. Allele origin: germline. Affected: yes. Observed: 1 variant allele.

Athena Diagnostics
Classification: Uncertain significance. Last evaluated: 2021-12-28. Review status: criteria provided, single submitter. Criteria: Athena Diagnostics Criteria. Collection method: clinical testing. Allele origin: unknown.

Quest Diagnostics Nichols Institute San Juan Capistrano
Classification: Uncertain significance. Last evaluated: 2021-12-28. Review status: criteria provided, single submitter. Criteria: Quest Diagnostics criteria. Collection method: clinical testing. Allele origin: unknown.
Comment: The best available variant frequency is uninformative because it is below the disease allele frequency. Analysis of this variant using bioinformatics tools for the prediction of the effect of amino acid changes on protein structure and function yielded conflicting predictions. Based on the available information, we are unable to determine the clinical significance of this variant.

Genetic Services Laboratory, University of Chicago
Classification: Uncertain significance. Last evaluated: 2021-02-04. Review status: criteria provided, single submitter. Criteria: ACMG Guidelines, 2015. Collection method: clinical testing. Allele origin: germline. Affected: no.
Comment: DNA sequence analysis of the ATM gene demonstrated a sequence change, c.6194T>C, in exon 42 that results in an amino acid change, p.Ile2065Thr. This sequence change does not appear to have been previously described in patients with ATM-related disorders. This sequence change has been described in the gnomAD database with a low frequency of 0.024% in African/African American population only (dbSNP rs372838622). The p.Ile2065Thr change affects a moderately conserved amino acid residue located in the FAT domain of the ATM protein. In-silico pathogenicity prediction tools (SIFT, PolyPhen2, Align GVGD, REVEL) provide contradictory results for the p.Ile2065Thr substitution. Due to these contrasting evidences and the lack of functional studies, the clinical significance of the p.Ile2065Thr change remains unknown at this time.

Baylor Genetics
Classification: Uncertain significance for Ataxia-telangiectasia syndrome. Last evaluated: 2019-09-10. Review status: criteria provided, single submitter. Criteria: ACMG Guidelines, 2015. Collection method: clinical testing. Allele origin: unknown. Affected: yes. Study: CSER-TexasKidsCanSeq.
Comment: This variant was determined to be of uncertain significance according to ACMG Guidelines, 2015 [PMID:25741868].

Natera, Inc.
Classification: Uncertain significance for Ataxia-telangiectasia. Last evaluated: 2020-09-16. Review status: no assertion criteria provided. Collection method: clinical testing. Allele origin: germline. Not counted in ClinVar's aggregate classification.

Literature cited by the submitters: PubMed 35039564 (cited by 5 submitters); PubMed 25085752 (cited by Myriad Genetics, Inc.); PubMed 32832836 (cited by Ambry Genetics and Quest Diagnostics Nichols Institute San Juan Capistrano); PubMed 29684080 (cited by Department of Pathology and Laboratory Medicine, Sinai Health System and Quest Diagnostics Nichols Institute San Juan Capistrano); PubMed 28569743 (cited by Quest Diagnostics Nichols Institute San Juan Capistrano).